The following is an entry in ClinVar:

ClinVar aggregate classification (germline): Uncertain significance (1 of 4 stars; one submission).

Submission:

Labcorp Genetics (formerly Invitae), Labcorp
Classification: Uncertain significance. Last evaluated: 2022-05-18. Review status: criteria provided, single submitter. Criteria: Invitae Variant Classification Sherloc (09022015). Collection method: clinical testing. Allele origin: germline.
Comment: In summary, the available evidence is currently insufficient to determine the role of this variant in disease. Therefore, it has been classified as a Variant of Uncertain Significance. Algorithms developed to predict the effect of missense changes on protein structure and function (SIFT, PolyPhen-2, Align-GVGD) all suggest that this variant is likely to be tolerated. This variant has not been reported in the literature in individuals affected with P3H2-related conditions. This variant is not present in population databases (gnomAD no frequency). This sequence change replaces phenylalanine, which is neutral and non-polar, with leucine, which is neutral and non-polar, at codon 452 of the P3H2 protein (p.Phe452Leu).

NM_018192.4(P3H2):c.1356C>A (p.Phe452Leu)

Gene: P3H2 (prolyl 3-hydroxylase 2; minus strand). Cytogenetic location: 3q28.
Variant type: single nucleotide variant.
Coding change: c.1356C>A on transcript NM_018192.4 (MANE Select); coding-DNA position 1356, C replaced by A.
Protein change: p.Phe452Leu; replaces phenylalanine 452 with leucine.
Molecular consequence: missense variant.
Genome position (GRCh38, 1-based): chr3:189,974,654, G>T on the plus strand (C>A on the coding strand, the complement: P3H2 is on the minus strand). VCF-style: chr3-189974654-G-T. GRCh37 (hg19) VCF-style: chr3-189692443-G-T.
Other names: c.813C>A, p.Phe271Leu (NM_001134418.2); short protein forms F271L, F452L.
Identifiers: ClinVar variation 1939433 (VCV001939433.5), dbSNP rs267599731, ClinGen allele CA355754210.